The following is an entry in ClinVar:

ClinVar aggregate classification (germline): Benign. Review status: criteria provided, multiple submitters, no conflicts (2 of 4 stars). 8 submissions from 8 submitters: Benign (6). 2 of the submissions do not count toward it. Last evaluated 2026-02-03.

Conditions:
Mucopolysaccharidosis, MPS-III-A (MPS3A). Also called: SANFILIPPO SYNDROME A; SULFAMIDASE DEFICIENCY; MPS III A; mucopolysaccharidosis type 3A; HEPARAN SULFATE SULFATASE DEFICIENCY; MPS IIIA (Sanfilippo Syndrome Type A). Identifiers: Orphanet 581, Orphanet 79269, MedGen C0086647, MONDO:0009655, OMIM 252900.

Allele frequency attached by ClinVar (database versions not stated): ExAC 0.00704; ESP Exome Variant Server 0.02491; gnomAD exomes 0.00205 and 0.00558; gnomAD 0.02463 and 0.02265; 1000 Genomes Project 0.02356; TOPMed 0.02457; 1000 Genomes Project 30x 0.02623.

Submissions (8):

Labcorp Genetics (formerly Invitae), Labcorp
Classification: Benign for Mucopolysaccharidosis, MPS-III-A. Last evaluated: 2026-02-03. Review status: criteria provided, single submitter. Criteria: Invitae Variant Classification Sherloc (09022015). Collection method: clinical testing. Allele origin: germline.

Genome-Nilou Lab
Classification: Benign for Mucopolysaccharidosis, MPS-III-A. Last evaluated: 2021-11-07. Review status: criteria provided, single submitter. Criteria: ACMG Guidelines, 2015. Collection method: clinical testing. Allele origin: germline. Affected: no.

GeneDx
Classification: Benign. Last evaluated: 2018-06-13. Review status: criteria provided, single submitter. Criteria: GeneDx Variant Classification (06012015). Collection method: clinical testing. Allele origin: germline. Affected: yes.
Comment: This variant is considered likely benign or benign based on one or more of the following criteria: it is a conservative change, it occurs at a poorly conserved position in the protein, it is predicted to be benign by multiple in silico algorithms, and/or has population frequency not consistent with disease.

Illumina Laboratory Services, Illumina
Classification: Benign for Mucopolysaccharidosis, MPS-III-A. Last evaluated: 2018-01-12. Review status: criteria provided, single submitter. Criteria: ICSL Variant Classification Criteria 13 December 2019. Collection method: clinical testing. Allele origin: germline.
Comment: This variant was observed in the ICSL laboratory as part of a predisposition screen in an ostensibly healthy population. It had not been previously curated by ICSL or reported in the Human Gene Mutation Database (HGMD: prior to June 1st, 2018), and was therefore a candidate for classification through an automated scoring system. Utilizing variant allele frequency, disease prevalence and penetrance estimates, and inheritance mode, an automated score was calculated to assess if this variant is too frequent to cause the disease. Based on the score and internal cut-off values, a variant classified as benign is not then subjected to further curation. The score for this variant resulted in a classification of benign for this disease.

Breakthrough Genomics
Classification: Benign. Review status: criteria provided, single submitter. Criteria: ACMG Guidelines, 2015. Collection method: not provided. Allele origin: germline. Inheritance: Autosomal recessive inheritance. Affected: yes.

PreventionGenetics, part of Exact Sciences
Classification: Benign. Review status: criteria provided, single submitter. Criteria: ACMG Guidelines, 2015. Collection method: clinical testing. Allele origin: germline.

Natera, Inc.
Classification: Benign for Mucopolysaccharidosis type IIIA. Last evaluated: 2020-09-16. Review status: no assertion criteria provided. Collection method: clinical testing. Allele origin: germline. Not counted in ClinVar's aggregate classification.

Mayo Clinic Laboratories, Mayo Clinic
Classification: Benign. Last evaluated: 2017-04-25. Review status: no assertion criteria provided. Collection method: clinical testing. Allele origin: unknown. Not counted in ClinVar's aggregate classification.

NM_000199.5(SGSH):c.1116G>A (p.Met372Ile)

Gene: SGSH (N-sulfoglucosamine sulfohydrolase; minus strand). Cytogenetic location: 17q25.3.
Variant type: single nucleotide variant.
Coding change: c.1116G>A on transcript NM_000199.5 (MANE Select); coding-DNA position 1116, G replaced by A.
Protein change: p.Met372Ile; replaces methionine 372 with isoleucine.
Molecular consequence: missense variant. On other transcripts: 3 prime UTR variant (2), non-coding transcript variant (1).
Genome position (GRCh38, 1-based): chr17:80,210,845, C>T on the plus strand (G>A on the coding strand, the complement: SGSH is on the minus strand). VCF-style: chr17-80210845-C-T. GRCh37 (hg19) VCF-style: chr17-78184644-C-T.
Other names: c.*203G>A (NM_001352921.3); c.*166G>A (NM_001352922.2); short protein forms M372I.
Identifiers: ClinVar variation 255513 (VCV000255513.24), dbSNP rs58786455, ClinGen allele CA8817673.
Genomic context (GRCh38, chr17:80,210,845, plus strand): 5'-GAAGTTGAGGTTGTGCACGAGGCGGAAGTGCCGGTGCTGCACGGAGCGCATGGGGTAGGA[C>T]ATGGTGACCTCGTGGTGGCTCTGGCTGCCAAAGACGGTGGCCCAGAGGGGCTCGGCCTCC-3'
Protein context (NP_000190.1, residues 362-382): FGSQSHHEVT[Met372Ile]SYPMRSVQHR